The following is an entry in ClinVar:

ClinVar aggregate classification (germline): Uncertain significance (1 of 4 stars; one submission).

Conditions:
Dilated cardiomyopathy 1J (CMD1J). Also called: CARDIOMYOPATHY, DILATED, WITH SENSORINEURAL HEARING LOSS, AUTOSOMAL DOMINANT. Identifiers: Orphanet 217622, MedGen C1854368, MONDO:0011541, OMIM 605362.

Submission:

Labcorp Genetics (formerly Invitae), Labcorp
Classification: Uncertain significance for Dilated cardiomyopathy 1J. Last evaluated: 2022-02-19. Review status: criteria provided, single submitter. Criteria: Invitae Variant Classification Sherloc (09022015). Collection method: clinical testing. Allele origin: germline.
Comment: In summary, the available evidence is currently insufficient to determine the role of this variant in disease. Therefore, it has been classified as a Variant of Uncertain Significance. Algorithms developed to predict the effect of missense changes on protein structure and function (SIFT, PolyPhen-2, Align-GVGD) all suggest that this variant is likely to be tolerated. This variant has not been reported in the literature in individuals affected with EYA4-related conditions. This variant is not present in population databases (gnomAD no frequency). This sequence change replaces methionine, which is neutral and non-polar, with leucine, which is neutral and non-polar, at codon 329 of the EYA4 protein (p.Met329Leu).

NM_004100.5(EYA4):c.985A>T (p.Met329Leu)

Gene: EYA4 (EYA transcriptional coactivator and phosphatase 4; plus strand). Cytogenetic location: 6q23.2.
Variant type: single nucleotide variant.
Coding change: c.985A>T on transcript NM_004100.5 (MANE Select); coding-DNA position 985, A replaced by T.
Protein change: p.Met329Leu; replaces methionine 329 with leucine.
Molecular consequence: missense variant.
Genome position (GRCh38, 1-based): chr6:133,481,477, A>T. VCF-style: chr6-133481477-A-T. GRCh37 (hg19) VCF-style: chr6-133802615-A-T.
Other names: c.823A>T, p.Met275Leu (NM_001301012.2); c.1003A>T, p.Met335Leu (NM_001301013.2); c.916A>T, p.Met306Leu (NM_001370458.1, NM_172103.4); c.841A>T, p.Met281Leu (NM_001370459.1); c.985A>T, p.Met329Leu (NM_172105.4); short protein forms M275L, M335L, M281L, M306L, M329L.
Identifiers: ClinVar variation 2091585 (VCV002091585.4), dbSNP rs2534855535, ClinGen allele CA365706327.
Genomic context (GRCh38, chr6:133,481,477, plus strand): 5'-TCTAAAAATGAAGTGCTATTCTTGACCTAAGTCATGTTATCTATAGGAGAGTTCGATACC[A>T]TGCAGAGTCCCTCCACACCCATCAAAGATCTTGATGAGAGAACCTGTAGGAGTTCTGGGT-3'
Protein context (NP_004091.3, residues 319-339): LTNQPGEFDT[Met329Leu]QSPSTPIKDL